The following is an entry in ClinVar:

ClinVar aggregate classification (germline): Conflicting classifications of pathogenicity. Review status: criteria provided, conflicting classifications (1 of 4 stars). 2 submissions from 2 submitters: Uncertain significance (1); Likely benign (1). Last evaluated 2023-02-01.

Conditions:
Hereditary sensory neuropathy-deafness-dementia syndrome. Also called: Hereditary Sensory and Autonomic Neuropathy Type 1E (HSAN1E); NEUROPATHY, HEREDITARY SENSORY, WITH HEARING LOSS AND DEMENTIA; Hereditary sensory neuropathy type IE; HSN IE. Identifiers: Orphanet 456318, MedGen C3279885, MONDO:0013584, OMIM 614116.

Allele frequency attached by ClinVar (database versions not stated): 1000 Genomes Project 30x 0.00016; 1000 Genomes Project 0.00020; gnomAD 0.00132; TOPMed 0.00150; gnomAD exomes 0.00192.
gnomAD v4.1: 1,339 of 749,132 alleles (0.18%); highest among the groups gnomAD compares: Middle Eastern, 0.41%; 5 homozygotes.

Submissions (2):

CeGaT Center for Human Genetics Tuebingen
Classification: Likely benign. Last evaluated: 2023-02-01. Review status: criteria provided, single submitter. Criteria: CeGaT Center For Human Genetics Tuebingen Variant Classification Criteria Version 2. Collection method: clinical testing. Allele origin: germline. Affected: yes. Observed: 4 variant alleles.
Comment: DNMT1: BS1

Illumina Laboratory Services, Illumina
Classification: Uncertain significance for Hereditary sensory neuropathy-deafness-dementia syndrome. Last evaluated: 2018-01-13. Review status: criteria provided, single submitter. Criteria: ICSL Variant Classification Criteria 13 December 2019. Collection method: clinical testing. Allele origin: germline.

NM_001130823.3(DNMT1):c.*165T>G

Gene: DNMT1 (DNA methyltransferase 1; minus strand). Cytogenetic location: 19p13.2.
Variant type: single nucleotide variant.
Coding change: c.*165T>G on transcript NM_001130823.3 (MANE Select); 165 bases downstream of the stop codon, T replaced by G.
Molecular consequence: 3 prime UTR variant.
Genome position (GRCh38, 1-based): chr19:10,133,502, A>C on the plus strand (T>G on the coding strand, the complement: DNMT1 is on the minus strand). VCF-style: chr19-10133502-A-C. GRCh37 (hg19) VCF-style: chr19-10244178-A-C.
Other names: c.*165T>G (LRG_362t1, NM_001318730.2, NM_001318731.2 and 1 more transcripts).
Identifiers: ClinVar variation 327882 (VCV000327882.29), dbSNP rs192952800, ClinGen allele CA10642112.